The following is an entry in ClinVar:

ClinVar aggregate classification (germline): Conflicting classifications of pathogenicity. Review status: criteria provided, conflicting classifications (1 of 4 stars). 3 submissions from 3 submitters: Uncertain significance (2); Likely benign (1). Last evaluated 2024-11-15.

Conditions:
Early-infantile DEE. Also called: Ohtahara syndrome; Early infantile epileptic encephalopathy with suppression bursts; Early infantile epileptic encephalopathy. Identifiers: Orphanet 1934, MedGen C0393706, MONDO:0800491.
Inborn genetic diseases. Identifiers: MedGen C0950123, MeSH D030342.

Allele frequency attached by ClinVar (database versions not stated): ExAC below 0.00001; gnomAD 0.00004; TOPMed 0.00005.
gnomAD v4.1: 24 of 1,527,990 alleles (0.0016%); highest among the groups gnomAD compares: Non-Finnish European, 0.0019%; no homozygotes.

Submissions (3):

Labcorp Genetics (formerly Invitae), Labcorp
Classification: Uncertain significance for Early-infantile DEE. Last evaluated: 2024-11-15. Review status: criteria provided, single submitter. Criteria: Invitae Variant Classification Sherloc (09022015). Collection method: clinical testing. Allele origin: germline.
Comment: This sequence change replaces alanine, which is neutral and non-polar, with serine, which is neutral and polar, at codon 761 of the KCNQ2 protein (p.Ala761Ser). The frequency data for this variant in the population databases is considered unreliable, as metrics indicate poor data quality at this position in the gnomAD database. This missense change has been observed in individual(s) with juvenile absence epilepsy (PMID: 10363917). This variant is also known as A733S. ClinVar contains an entry for this variant (Variation ID: 1041104). Invitae Evidence Modeling of protein sequence and biophysical properties (such as structural, functional, and spatial information, amino acid conservation, physicochemical variation, residue mobility, and thermodynamic stability) has been performed for this missense variant. However, the output from this modeling did not meet the statistical confidence thresholds required to predict the impact of this variant on KCNQ2 protein function. In summary, the available evidence is currently insufficient to determine the role of this variant in disease. Therefore, it has been classified as a Variant of Uncertain Significance.

Ambry Genetics
Classification: Uncertain significance for Inborn genetic diseases. Last evaluated: 2024-08-02. Review status: criteria provided, single submitter. Criteria: Ambry Variant Classification Scheme 2023. Collection method: clinical testing. Allele origin: germline.

GeneDx
Classification: Likely benign. Last evaluated: 2021-03-12. Review status: criteria provided, single submitter. Criteria: GeneDx Variant Classification Process June 2021. Collection method: clinical testing. Allele origin: germline. Affected: yes.

Literature cited by the submitters: PubMed 10363917 (cited by Labcorp Genetics (formerly Invitae), Labcorp and Ambry Genetics).

NM_172107.4(KCNQ2):c.2281G>T (p.Ala761Ser)

Gene: KCNQ2 (potassium voltage-gated channel subfamily Q member 2; minus strand). Cytogenetic location: 20q13.33.
Variant type: single nucleotide variant.
Coding change: c.2281G>T on transcript NM_172107.4 (MANE Select); coding-DNA position 2281, G replaced by T.
Protein change: p.Ala761Ser; replaces alanine 761 with serine.
Molecular consequence: missense variant.
Genome position (GRCh38, 1-based): chr20:63,406,982, C>A on the plus strand (G>T on the coding strand, the complement: KCNQ2 is on the minus strand). VCF-style: chr20-63406982-C-A. GRCh37 (hg19) VCF-style: chr20-62038335-C-A.
Other names: c.2335G>T, p.Ala779Ser (NM_001382235.1); c.2197G>T, p.Ala733Ser (NM_004518.6); c.2227G>T, p.Ala743Ser (NM_172106.3); c.2188G>T, p.Ala730Ser (NM_172108.5); short protein forms A730S, A779S, A733S, A743S, A761S.
Identifiers: ClinVar variation 1041104 (VCV001041104.15), dbSNP rs587780366, ClinGen allele CA9958107.